The following is an entry in ClinVar:

ClinVar aggregate classification (germline): Uncertain significance (1 of 4 stars; one submission).

Conditions:
Cerebral creatine deficiency syndrome. Also called: Creatine deficiency syndromes. Identifiers: Orphanet 79172, MedGen C5244016, MONDO:0000456.

Allele frequency attached by ClinVar (database versions not stated): gnomAD exomes below 0.00001.
gnomAD v4.1: 2 of 1,525,954 alleles (0.00013%); highest among the groups gnomAD compares: Non-Finnish European, 0.00017%; no homozygotes.

Submission:

Labcorp Genetics (formerly Invitae), Labcorp
Classification: Uncertain significance for Cerebral creatine deficiency syndrome. Last evaluated: 2021-08-28. Review status: criteria provided, single submitter. Criteria: Invitae Variant Classification Sherloc (09022015). Collection method: clinical testing. Allele origin: germline.
Comment: This sequence change replaces lysine with glutamine at codon 39 of the GAMT protein (p.Lys39Gln). The lysine residue is highly conserved and there is a small physicochemical difference between lysine and glutamine. This variant is not present in population databases (ExAC no frequency). This variant has not been reported in the literature in individuals affected with GAMT-related conditions. Algorithms developed to predict the effect of missense changes on protein structure and function are either unavailable or do not agree on the potential impact of this missense change (SIFT: "Deleterious"; PolyPhen-2: "Probably Damaging"; Align-GVGD: "Class C0"). In summary, the available evidence is currently insufficient to determine the role of this variant in disease. Therefore, it has been classified as a Variant of Uncertain Significance.

NM_000156.6(GAMT):c.115A>C (p.Lys39Gln)

Genes: GAMT (guanidinoacetate N-methyltransferase; minus strand), LOC130062945 (ATAC-STARR-seq lymphoblastoid silent region 9707; plus strand). Cytogenetic location: 19p13.3.
Variant type: single nucleotide variant.
Coding change: c.115A>C on transcript NM_000156.6 (MANE Select); coding-DNA position 115, A replaced by C.
Protein change: p.Lys39Gln; replaces lysine 39 with glutamine.
Molecular consequence: missense variant.
Genome position (GRCh38, 1-based): chr19:1,401,362, T>G on the plus strand (A>C on the coding strand, the complement: GAMT is on the minus strand). VCF-style: chr19-1401362-T-G. GRCh37 (hg19) VCF-style: chr19-1401361-T-G.
Other names: c.115A>C, p.Lys39Gln (NM_138924.3); short protein forms K39Q.
Identifiers: ClinVar variation 1051517 (VCV001051517.6), dbSNP rs2144641138, ClinGen allele CA402998135.